The following is an entry in ClinVar:

ClinVar aggregate classification (germline): Conflicting classifications of pathogenicity. Review status: criteria provided, conflicting classifications (1 of 4 stars). 3 submissions from 3 submitters: Uncertain significance (2); Likely benign (1). Last evaluated 2024-10-06.

Conditions:
Inborn genetic diseases. Identifiers: MedGen C0950123, MeSH D030342.
Charcot-Marie-Tooth disease. Also called: Charcot-Marie-Tooth Hereditary Neuropathy; Charcot-Marie-Tooth Neuropathy. Identifiers: Orphanet 166, MedGen C0007959, MONDO:0015626.
Charcot-Marie-Tooth disease type 1C. Also called: CHARCOT-MARIE-TOOTH DISEASE, DEMYELINATING, TYPE 1C; CHARCOT-MARIE-TOOTH NEUROPATHY, TYPE 1C; NEUROPATHY, HEREDITARY MOTOR AND SENSORY, TYPE IC; CMT, SLOW NERVE CONDUCTION TYPE C; HMSN IC; Charcot-Marie-Tooth disease, type IC. Identifiers: Orphanet 101083, MedGen C0270913, MONDO:0010995, OMIM 601098.

Allele frequency attached by ClinVar (database versions not stated): ExAC 0.00001; TOPMed 0.00002.

Submissions (3):

Labcorp Genetics (formerly Invitae), Labcorp
Classification: Uncertain significance for Charcot-Marie-Tooth disease type 1C. Last evaluated: 2024-10-06. Review status: criteria provided, single submitter. Criteria: Invitae Variant Classification Sherloc (09022015). Collection method: clinical testing. Allele origin: germline.
Comment: This sequence change replaces valine, which is neutral and non-polar, with methionine, which is neutral and non-polar, at codon 138 of the LITAF protein (p.Val138Met). This variant is present in population databases (rs780788687, gnomAD 0.02%). This variant has not been reported in the literature in individuals affected with LITAF-related conditions. ClinVar contains an entry for this variant (Variation ID: 640744). An algorithm developed to predict the effect of missense changes on protein structure and function (PolyPhen-2) suggests that this variant is likely to be disruptive. In summary, the available evidence is currently insufficient to determine the role of this variant in disease. Therefore, it has been classified as a Variant of Uncertain Significance.

Ambry Genetics
Classification: Likely benign for Inborn genetic diseases. Last evaluated: 2020-03-02. Review status: criteria provided, single submitter. Criteria: Ambry Variant Classification Scheme 2023. Collection method: clinical testing. Allele origin: germline.

Molecular Genetics Laboratory, London Health Sciences Centre
Classification: Uncertain significance for Charcot-Marie-Tooth disease. Review status: criteria provided, single submitter. Criteria: ACMG Guidelines, 2015. Collection method: clinical testing. Allele origin: germline. Affected: yes.

NM_001136472.2(LITAF):c.412G>A (p.Val138Met)

Gene: LITAF (lipopolysaccharide induced TNF factor; minus strand). Cytogenetic location: 16p13.13.
Variant type: single nucleotide variant.
Coding change: c.412G>A on transcript NM_001136472.2 (MANE Select); coding-DNA position 412, G replaced by A.
Protein change: p.Val138Met; replaces valine 138 with methionine.
Molecular consequence: missense variant. On other transcripts: 3 prime UTR variant (1), non-coding transcript variant (1).
Genome position (GRCh38, 1-based): chr16:11,549,711, C>T on the plus strand (G>A on the coding strand, the complement: LITAF is on the minus strand). VCF-style: chr16-11549711-C-T. GRCh37 (hg19) VCF-style: chr16-11643567-C-T.
Other names: c.*51G>A (NM_001136473.1); c.412G>A, p.Val138Met (NM_004862.4); short protein forms V138M.
Identifiers: ClinVar variation 640744 (VCV000640744.9), dbSNP rs780788687, ClinGen allele CA7904024.